The following is an entry in ClinVar:

NM_001365951.3(KIF1B):c.3977A>T (p.Asp1326Val)

Gene: KIF1B (kinesin family member 1B; plus strand). Cytogenetic location: 1p36.22.
Variant type: single nucleotide variant.
Coding change: c.3977A>T on transcript NM_001365951.3 (MANE Select); coding-DNA position 3977, A replaced by T.
Protein change: p.Asp1326Val; replaces aspartic acid 1326 with valine.
Molecular consequence: missense variant.
Genome position (GRCh38, 1-based): chr1:10,352,658, A>T. VCF-style: chr1-10352658-A-T. GRCh37 (hg19) VCF-style: chr1-10412716-A-T.
Other names: c.3977A>T, p.Asp1326Val (NM_001365952.1); c.3839A>T, p.Asp1280Val (NM_015074.3); short protein forms D1280V, D1326V.
Identifiers: ClinVar variation 1433407 (VCV001433407.7), dbSNP rs879368394, ClinGen allele CA17847811.

ClinVar aggregate classification (germline): Uncertain significance. Review status: criteria provided, multiple submitters, no conflicts (2 of 4 stars). 2 submissions from 2 submitters: Uncertain significance (2). Last evaluated 2025-01-19.

Conditions:
Charcot-Marie-Tooth disease type 2. Also called: Charcot-Marie-Tooth type 2. Identifiers: Orphanet 64746, MedGen C0270914, MONDO:0018993.

Submissions (2):

Labcorp Genetics (formerly Invitae), Labcorp
Classification: Uncertain significance for Charcot-Marie-Tooth disease type 2. Last evaluated: 2025-01-19. Review status: criteria provided, single submitter. Criteria: Invitae Variant Classification Sherloc (09022015). Collection method: clinical testing. Allele origin: germline.
Comment: This sequence change replaces aspartic acid, which is acidic and polar, with valine, which is neutral and non-polar, at codon 1280 of the KIF1B protein (p.Asp1280Val). This variant is not present in population databases (gnomAD no frequency). This variant has not been reported in the literature in individuals affected with KIF1B-related conditions. ClinVar contains an entry for this variant (Variation ID: 1433407). An algorithm developed to predict the effect of missense changes on protein structure and function (PolyPhen-2) suggests that this variant is likely to be disruptive. In summary, the available evidence is currently insufficient to determine the role of this variant in disease. Therefore, it has been classified as a Variant of Uncertain Significance.

Ambry Genetics
Classification: Uncertain significance. Last evaluated: 2023-07-03. Review status: criteria provided, single submitter. Criteria: Ambry Variant Classification Scheme 2023. Collection method: clinical testing. Allele origin: germline.
Comment: The p.D1280V variant (also known as c.3839A>T), located in coding exon 35 of the KIF1B gene, results from an A to T substitution at nucleotide position 3839. The aspartic acid at codon 1280 is replaced by valine, an amino acid with highly dissimilar properties. This amino acid position is conserved. In addition, this alteration is predicted to be deleterious by in silico analysis. Since supporting evidence is limited at this time, the clinical significance of this alteration remains unclear.